The following is an entry in ClinVar:

NM_001379180.1(ESRRB):c.742A>G (p.Met248Val)

Gene: ESRRB (estrogen related receptor beta; plus strand). Cytogenetic location: 14q24.3.
Variant type: single nucleotide variant.
Coding change: c.742A>G on transcript NM_001379180.1 (MANE Select); coding-DNA position 742, A replaced by G.
Protein change: p.Met248Val; replaces methionine 248 with valine.
Molecular consequence: missense variant.
Genome position (GRCh38, 1-based): chr14:76,482,651, A>G. VCF-style: chr14-76482651-A-G. GRCh37 (hg19) VCF-style: chr14-76948994-A-G.
Other names: c.679A>G, p.Met227Val (NM_004452.4); c.679A>G (NM_004452.3); short protein forms M248V, M227V.
Identifiers: ClinVar variation 1420503 (VCV001420503.5), dbSNP rs149642201, ClinGen allele CA7281675.

ClinVar aggregate classification (germline): Uncertain significance. Review status: criteria provided, multiple submitters, no conflicts (2 of 4 stars). 2 submissions from 2 submitters: Uncertain significance (2). Last evaluated 2024-02-13.

Allele frequency attached by ClinVar (database versions not stated): ExAC 0.00001; gnomAD exomes 0.00002; gnomAD 0.00010 and 0.00011; TOPMed 0.00010; ESP Exome Variant Server 0.00015.
gnomAD v4.1: 100 of 1,613,942 alleles (0.0062%); highest among the groups gnomAD compares: Non-Finnish European, 0.0083%; no homozygotes.

Submissions (2):

GeneDx
Classification: Uncertain significance. Last evaluated: 2024-02-13. Review status: criteria provided, single submitter. Criteria: GeneDx Variant Classification Process June 2021. Collection method: clinical testing. Allele origin: germline. Affected: yes.
Comment: Not observed at significant frequency in large population cohorts (gnomAD); In silico analysis supports that this missense variant does not alter protein structure/function; Has not been previously published as pathogenic or benign to our knowledge

Labcorp Genetics (formerly Invitae), Labcorp
Classification: Uncertain significance. Last evaluated: 2022-02-21. Review status: criteria provided, single submitter. Criteria: Invitae Variant Classification Sherloc (09022015). Collection method: clinical testing. Allele origin: germline.
Comment: In summary, the available evidence is currently insufficient to determine the role of this variant in disease. Therefore, it has been classified as a Variant of Uncertain Significance. Algorithms developed to predict the effect of missense changes on protein structure and function (SIFT, PolyPhen-2, Align-GVGD) all suggest that this variant is likely to be tolerated. This variant has not been reported in the literature in individuals affected with ESRRB-related conditions. This variant is present in population databases (rs149642201, gnomAD 0.006%). This sequence change replaces methionine, which is neutral and non-polar, with valine, which is neutral and non-polar, at codon 227 of the ESRRB protein (p.Met227Val).